The following is an entry in ClinVar:

ClinVar aggregate classification (germline): Uncertain significance (1 of 4 stars; one submission).

Conditions:
Cardiovascular phenotype. Identifiers: MedGen CN230736.

Submission:

Ambry Genetics
Classification: Uncertain significance for Cardiovascular phenotype. Last evaluated: 2026-08-20. Review status: criteria provided, single submitter. Criteria: Ambry Variant Classification Scheme 2023. Collection method: clinical testing. Allele origin: germline.
Comment: The p.S646N variant (also known as c.1937G>A), located in coding exon 15 of the ENG gene, results from a G to A substitution at nucleotide position 1937. The serine at codon 646 is replaced by asparagine, an amino acid with highly similar properties. This amino acid position is conserved. In addition, the in silico prediction for this alteration is inconclusive. Based on the available evidence, the clinical significance of this variant remains unclear.

NM_001114753.3(ENG):c.1937G>A (p.Ser646Asn)

Gene: ENG (endoglin; minus strand). Cytogenetic location: 9q34.11.
Variant type: single nucleotide variant.
Coding change: c.1937G>A on transcript NM_001114753.3 (MANE Select); coding-DNA position 1937, G replaced by A.
Protein change: p.Ser646Asn; replaces serine 646 with asparagine.
Molecular consequence: missense variant. On other transcripts: 3 prime UTR variant (1).
Genome position (GRCh38, 1-based): chr9:127,815,722, C>T on the plus strand (G>A on the coding strand, the complement: ENG is on the minus strand). VCF-style: chr9-127815722-C-T. GRCh37 (hg19) VCF-style: chr9-130578001-C-T.
Other names: c.*195G>A (NM_000118.4); c.1391G>A, p.Ser464Asn (NM_001278138.2); short protein forms S464N, S646N.
Identifiers: ClinVar variation 5035939 (VCV005035939.1).